The following is an entry in ClinVar:

NM_004409.5(DMPK):c.*224CTG[50]

Genes: DM1-AS (DM1 locus antisense RNA; plus strand), DMPK (DM1 protein kinase; minus strand), LOC107075317 (origin of replication in DMPK trinucleotide repeat region; plus strand), LOC109461477 (dystrophia myotonica protein kinase repeat instability region; plus strand). Cytogenetic location: 19q13.32.
Variant type: Microsatellite.
Coding change: c.*224CTG[50] on transcript NM_004409.5 (MANE Select); 50 copies in a row of the 3-base unit CTG starting at c.*224.
Molecular consequence: 3 prime UTR variant.
Genome position: GRCh38, VCF-style position (the base before the change): chr19:45,770,204. GRCh37 (hg19), VCF-style position (the base before the change): chr19:46,273,462.
Other names: DM1 CTG repeat expansion; c.*224CTG[50] (NM_001081560.3, NM_001288764.2, NM_001424165.1 and 1 more transcripts); c.*217CTG[50] (NM_001081562.3, NM_001288765.2, NM_001424162.1 and 2 more transcripts); c.*222_*224TGC[50] (NM_001081563.3); c.*369CTG[50] (NM_001288766.2, NM_001424164.1, NM_001424168.1).
Identifiers: ClinVar variation 187992 (VCV000187992.2), ClinGen allele CA915951818.

ClinVar aggregate classification (germline): Pathogenic (0 of 4 stars; one submission).

Conditions:
Steinert myotonic dystrophy syndrome (DM1). Also called: STEINERT DISEASE; Myotonic dystrophy type 1; Dystrophia myotonica type 1; Steinert myotonic dystrophy; Steinert's disease. Identifiers: Orphanet 273, MedGen C3250443, MONDO:0008056, OMIM 160900.

Submission:

Institute of Molecular, Cell and Systems Biology, University of Glasgow
Classification: Pathogenic for Steinert myotonic dystrophy syndrome. Review status: no assertion criteria provided. Criteria: research. Collection method: research. Allele origin: germline. Inheritance: Autosomal dominant inheritance. Affected: no. Observed: 1 heterozygote.
Comment: DMPK CTG repeat expansions greater than approximately 45-50 repeats are assumed to be pathogenic

This record is based on data published in PubMed 25052313, which reports only ClinVar accessions SCV000120188 and SCV000120189. The complete data set includes SCV000207445 - SCV000207579.

Literature cited by the submitters: PubMed 1346923; PubMed 1546326; PubMed 25052313.